The following is an entry in ClinVar:

NM_000535.7(PMS2):c.313G>A (p.Gly105Ser)

Gene: PMS2 (PMS1 homolog 2, mismatch repair system component; minus strand). Cytogenetic location: 7p22.1.
Variant type: single nucleotide variant.
Coding change: c.313G>A on transcript NM_000535.7 (MANE Select); coding-DNA position 313, G replaced by A.
Protein change: p.Gly105Ser; replaces glycine 105 with serine.
Molecular consequence: missense variant. On other transcripts: non-coding transcript variant (1), intron variant (21), 5 prime UTR variant (25).
Genome position (GRCh38, 1-based): chr7:6,003,730, C>T on the plus strand (G>A on the coding strand, the complement: PMS2 is on the minus strand). VCF-style: chr7-6003730-C-T. GRCh37 (hg19) VCF-style: chr7-6043361-C-T.
Other names: c.35+242G>A (NM_001322008.2, NM_001406902.1, NM_001406883.1 and 4 more transcripts); c.-132+242G>A (NM_001406881.1, NM_001406900.1); c.-53+13G>A (NM_001406895.1, NM_001406904.1, NM_001406889.1 and 6 more transcripts); c.-52-1094G>A (NM_001406896.1); c.250+242G>A (NM_001406885.1); c.-93G>A (NM_001322003.2, NM_001322004.2, NM_001322005.2 and 13 more transcripts); c.313G>A, p.Gly105Ser (NM_001322006.2, NM_001322014.2, NM_001406869.1 and 8 more transcripts); c.-572G>A (NM_001322011.2, NM_001322012.2); and 5 more; short protein forms G105S, G113S, G167S.
Identifiers: ClinVar variation 3935137 (VCV003935137.1).

ClinVar aggregate classification (germline): Uncertain significance (1 of 4 stars; one submission).

Conditions:
Hereditary cancer-predisposing syndrome. Also called: Tumor predisposition; Hereditary neoplastic syndrome; Hereditary Cancer Syndrome; Neoplastic Syndromes, Hereditary. Identifiers: Orphanet 140162, MedGen C0027672, MeSH D009386, MONDO:0015356.

Submission:

Ambry Genetics
Classification: Uncertain significance for Hereditary cancer-predisposing syndrome. Last evaluated: 2025-05-03. Review status: criteria provided, single submitter. Criteria: Ambry Variant Classification Scheme 2023. Collection method: clinical testing. Allele origin: germline.
Comment: The p.G105S variant (also known as c.313G>A), located in coding exon 4 of the PMS2 gene, results from a G to A substitution at nucleotide position 313. The glycine at codon 105 is replaced by serine, an amino acid with similar properties. This amino acid position is conserved. In addition, this alteration is predicted to be deleterious by in silico analysis. Based on the available evidence, the clinical significance of this variant remains unclear.